The following is an entry in ClinVar:

NM_020780.2(DISP3):c.544G>A (p.Gly182Ser)

Gene: DISP3 (dispatched RND transporter family member 3; plus strand). Cytogenetic location: 1p36.22.
Variant type: single nucleotide variant.
Coding change: c.544G>A on transcript NM_020780.2 (MANE Select); coding-DNA position 544, G replaced by A.
Protein change: p.Gly182Ser; replaces glycine 182 with serine.
Molecular consequence: missense variant.
Genome position (GRCh38, 1-based): chr1:11,501,536, G>A. VCF-style: chr1-11501536-G-A. GRCh37 (hg19) VCF-style: chr1-11561593-G-A.
Other names: short protein forms G182S.
Identifiers: ClinVar variation 3060301 (VCV003060301.2), dbSNP rs2817580, ClinGen allele CA591408.
Genomic context (GRCh38, chr1:11,501,536, plus strand): 5'-GGCAACCGCTCGCGGCAAGCCTCCCGAGCCCCCCGCGTCATCCCCGCGGCCTCACTCGGT[G>A]GCCCAGGCCCTTACCGGGACACTTCCGCGGCTCAAAAGCCCACAGCCAATCGGAGCGGGC-3'
Protein context (NP_065831.1, residues 172-192): PRVIPAASLG[Gly182Ser]PGPYRDTSAA

ClinVar aggregate classification (germline): Benign (0 of 4 stars; one submission).

Conditions:
DISP3-related disorder. Also called: DISP3-related condition.

Allele frequency attached by ClinVar (database versions not stated): 1000 Genomes Project 0.37181; 1000 Genomes Project 30x 0.37258; TOPMed 0.48740; gnomAD 0.49350; ESP Exome Variant Server 0.51305; ExAC 0.55605; gnomAD exomes 0.59679.
gnomAD v4.1: 933,275 of 1,593,124 alleles (59%); highest among the groups gnomAD compares: Admixed American, 65%; 285,773 homozygotes.

Submission:

PreventionGenetics, part of Exact Sciences
Classification: Benign for DISP3-related condition. Last evaluated: 2019-10-17. Review status: no assertion criteria provided. Collection method: clinical testing. Allele origin: germline.
Comment: This variant is classified as benign based on ACMG/AMP sequence variant interpretation guidelines (Richards et al. 2015 PMID: 25741868, with internal and published modifications).